The following is an entry in ClinVar:

ClinVar aggregate classification (germline): Likely pathogenic (1 of 4 stars; one submission).

Submission:

Labcorp Genetics (formerly Invitae), Labcorp
Classification: Likely pathogenic. Last evaluated: 2023-07-10. Review status: criteria provided, single submitter. Criteria: Invitae Variant Classification Sherloc (09022015). Collection method: clinical testing. Allele origin: germline.
Comment: This sequence change replaces glycine, which is neutral and non-polar, with lysine, which is basic and polar, at codon 834 of the COL2A1 protein (p.Gly834Lys). Information on the frequency of this variant in the gnomAD database is not available, as this variant may be reported differently in the database. This variant has not been reported in the literature in individuals affected with COL2A1-related conditions. ClinVar contains an entry for this variant (Variation ID: 2049889). Experimental studies and prediction algorithms are not available or were not evaluated, and the functional significance of this variant is currently unknown. This variant disrupts the triple helix domain of COL2A1. Glycine residues within the Gly-Xaa-Yaa repeats of the triple helix domain are required for the structure and stability of fibrillar collagens (PMID: 7695699, 8218237, 19344236). In COL2A1, variants affecting these glycine residues are significantly enriched in individuals with disease (PMID: 9016532, 17078022) compared to the general population (ExAC). In summary, the currently available evidence indicates that the variant is pathogenic, but additional data are needed to prove that conclusively. Therefore, this variant has been classified as Likely Pathogenic.

Literature cited by the submitters: PubMed 7695699; PubMed 8218237; PubMed 19344236; PubMed 9016532; PubMed 17078022.

NM_001844.5(COL2A1):c.2500_2501delinsAA (p.Gly834Lys)

Gene: COL2A1 (collagen type II alpha 1 chain; minus strand). Cytogenetic location: 12q13.11.
Variant type: Indel.
Coding change: c.2500_2501delinsAA on transcript NM_001844.5 (MANE Select); coding-DNA positions 2500 to 2501, GG replaced by AA.
Protein change: p.Gly834Lys; replaces glycine 834 with lysine.
Molecular consequence: missense variant.
Genome position (GRCh38, 1-based): chr12:47,980,931-47,980,932, CC replaced by TT on the plus strand (GG replaced by AA on the coding strand, the reverse complement: COL2A1 is on the minus strand). VCF-style: chr12-47980931-CC-TT. GRCh37 (hg19) VCF-style: chr12-48374714-CC-TT.
Other names: c.2293_2294delinsAA, p.Gly765Lys (NM_033150.3); short protein forms G834K, G765K.
Identifiers: ClinVar variation 2049889 (VCV002049889.4), dbSNP rs2540124552, ClinGen allele CA2580085561.